The following is an entry in ClinVar:

ClinVar aggregate classification (germline): Likely pathogenic. Review status: criteria provided, multiple submitters, no conflicts (2 of 4 stars). 3 submissions from 3 submitters: Likely pathogenic (3). Last evaluated 2024-04-27.

Conditions:
Renal tubular acidosis with progressive nerve deafness. Also called: Distal Renal Tubular Acidosis with Progressive Sensorineural Deafness; renal tubular acidosis, distal, 2, with progressive sensorineural hearing loss; RENAL TUBULAR ACIDOSIS, AUTOSOMAL RECESSIVE, WITH PROGRESSIVE NERVE DEAFNESS; RTA WITH PROGRESSIVE NERVE DEAFNESS. Identifiers: MedGen C0403554, MONDO:0009968, OMIM 267300.

Allele frequency attached by ClinVar (database versions not stated): gnomAD exomes below 0.00001 and 0.00001; ExAC 0.00001; gnomAD 0.00001; TOPMed 0.00001.

Submissions (3):

Fulgent Genetics
Classification: Likely pathogenic for Renal tubular acidosis with progressive nerve deafness. Last evaluated: 2024-04-27. Review status: criteria provided, single submitter. Criteria: ACMG Guidelines, 2015. Collection method: clinical testing. Allele origin: germline.

Labcorp Genetics (formerly Invitae), Labcorp
Classification: Likely pathogenic. Last evaluated: 2023-09-21. Review status: criteria provided, single submitter. Criteria: Invitae Variant Classification Sherloc (09022015). Collection method: clinical testing. Allele origin: germline.
Comment: This sequence change affects codon 354 of the ATP6V1B1 mRNA. It is a 'silent' change, meaning that it does not change the encoded amino acid sequence of the ATP6V1B1 protein. This variant also falls at the last nucleotide of exon 10, which is part of the consensus splice site for this exon. The frequency data for this variant in the population databases is considered unreliable, as metrics indicate poor data quality at this position in the gnomAD database. This variant has been observed in individual(s) with renal tubular acidosis (PMID: 35738466). ClinVar contains an entry for this variant (Variation ID: 1343089). An algorithm developed to predict the effect of missense changes on protein structure and function (PolyPhen-2) suggests that this variant is likely to be disruptive. Variants that disrupt the consensus splice site are a relatively common cause of aberrant splicing (PMID: 17576681, 9536098). Algorithms developed to predict the effect of sequence changes on RNA splicing suggest that this variant may disrupt the consensus splice site. In summary, the currently available evidence indicates that the variant is pathogenic, but additional data are needed to prove that conclusively. Therefore, this variant has been classified as Likely Pathogenic.

Laboratory of Cyto-molecular Genetics, Department of Anatomy, All India Institute of Medical Sciences (AIIMS), New Delhi
Classification: Likely pathogenic for Renal tubular acidosis with progressive nerve deafness. Last evaluated: 2022-03-07. Review status: criteria provided, single submitter. Criteria: ACMG Guidelines, 2015. Collection method: clinical testing. Allele origin: germline. Affected: yes. Observed: 3 variant alleles.
Comment: p.(Asp354Asn),missense variant

Literature cited by the submitters: PubMed 35738466 (cited by Labcorp Genetics (formerly Invitae), Labcorp and Laboratory of Cyto-molecular Genetics, Department of Anatomy, All India Institute of Medical Sciences (AIIMS), New Delhi); PubMed 17576681 (cited by Labcorp Genetics (formerly Invitae), Labcorp); PubMed 9536098 (cited by Labcorp Genetics (formerly Invitae), Labcorp).

NM_001692.4(ATP6V1B1):c.1060G>A (p.Asp354Asn)

Gene: ATP6V1B1 (ATPase H+ transporting V1 subunit B1; plus strand). Cytogenetic location: 2p13.3.
Variant type: single nucleotide variant.
Coding change: c.1060G>A on transcript NM_001692.4 (MANE Select); coding-DNA position 1060, G replaced by A.
Protein change: p.Asp354Asn; replaces aspartic acid 354 with asparagine.
Molecular consequence: missense variant.
Genome position (GRCh38, 1-based): chr2:70,963,312, G>A. VCF-style: chr2-70963312-G-A. GRCh37 (hg19) VCF-style: chr2-71190442-G-A.
Other names: short protein forms D354N.
Identifiers: ClinVar variation 1343089 (VCV001343089.7), dbSNP rs782484337, ClinGen allele CA1701236.